The following is an entry in ClinVar:

NM_001148.6(ANK2):c.8378T>C (p.Leu2793Pro)

Gene: ANK2 (ankyrin 2; plus strand). Cytogenetic location: 4q26.
Variant type: single nucleotide variant.
Coding change: c.8378T>C on transcript NM_001148.6 (MANE Select); coding-DNA position 8378, T replaced by C.
Protein change: p.Leu2793Pro; replaces leucine 2793 with proline.
Molecular consequence: missense variant. On other transcripts: intron variant (68).
Genome position (GRCh38, 1-based): chr4:113,356,996, T>C. VCF-style: chr4-113356996-T-C. GRCh37 (hg19) VCF-style: chr4-114278152-T-C.
Other names: c.8144T>C, p.Leu2715Pro (NM_001386142.1); c.4778T>C, p.Leu1593Pro (NM_001386166.1); c.8519T>C, p.Leu2840Pro (NM_001386174.1); c.8495T>C, p.Leu2832Pro (NM_001386175.1); c.4412-3827T>C (NM_001386186.2, NM_001386148.2); c.4214-3827T>C (NM_001354269.3); c.4292-3827T>C (NM_001386187.2); c.4253-3827T>C (NM_001386147.1); and 36 more; short protein forms L1593P, L2715P, L2793P, L2832P, L2840P.
Identifiers: ClinVar variation 1024865 (VCV001024865.8), dbSNP rs1019663457, ClinGen allele CA103816064.

ClinVar aggregate classification (germline): Conflicting classifications of pathogenicity. Review status: criteria provided, conflicting classifications (1 of 4 stars). 3 submissions from 3 submitters: Uncertain significance (1); Likely benign (2). Last evaluated 2026-02-23.

Conditions:
Long QT syndrome (LQTS). Identifiers: MedGen C0023976, MeSH D008133, MONDO:0002442. Disease mechanism: loss of function. Inheritance: Various modes of inheritance.
Cardiovascular phenotype. Identifiers: MedGen CN230736.

Allele frequency attached by ClinVar (database versions not stated): gnomAD exomes below 0.00001.
gnomAD v4.1: 1 of 1,614,042 alleles (0.000062%); highest among the groups gnomAD compares: Non-Finnish European, 0.000085%; no homozygotes.

Submissions (3):

Ambry Genetics
Classification: Likely benign for Cardiovascular phenotype. Last evaluated: 2026-02-23. Review status: criteria provided, single submitter. Criteria: Ambry Variant Classification Scheme 2023. Collection method: clinical testing. Allele origin: germline.

Blueprint Genetics
Classification: Likely benign. Last evaluated: 2022-11-01. Review status: criteria provided, single submitter. Criteria: ACMG Guidelines, 2015. Collection method: clinical testing. Allele origin: germline.

Labcorp Genetics (formerly Invitae), Labcorp
Classification: Uncertain significance for Long QT syndrome. Last evaluated: 2022-07-26. Review status: criteria provided, single submitter. Criteria: Invitae Variant Classification Sherloc (09022015). Collection method: clinical testing. Allele origin: germline.
Comment: This sequence change replaces leucine, which is neutral and non-polar, with proline, which is neutral and non-polar, at codon 2793 of the ANK2 protein (p.Leu2793Pro). This variant is not present in population databases (gnomAD no frequency). This variant has not been reported in the literature in individuals affected with ANK2-related conditions. ClinVar contains an entry for this variant (Variation ID: 1024865). Algorithms developed to predict the effect of missense changes on protein structure and function output the following: SIFT: "Tolerated"; PolyPhen-2: "Benign"; Align-GVGD: "Class C0". The proline amino acid residue is found in multiple mammalian species, which suggests that this missense change does not adversely affect protein function. In summary, the available evidence is currently insufficient to determine the role of this variant in disease. Therefore, it has been classified as a Variant of Uncertain Significance.